The following is an entry in ClinVar:

NM_000257.4(MYH7):c.932C>T (p.Ala311Val)

Gene: MYH7 (myosin heavy chain 7; minus strand). Cytogenetic location: 14q11.2.
Variant type: single nucleotide variant.
Coding change: c.932C>T on transcript NM_000257.4 (MANE Select); coding-DNA position 932, C replaced by T.
Protein change: p.Ala311Val; replaces alanine 311 with valine.
Molecular consequence: missense variant.
Genome position (GRCh38, 1-based): chr14:23,430,627, G>A on the plus strand (C>T on the coding strand, the complement: MYH7 is on the minus strand). VCF-style: chr14-23430627-G-A. GRCh37 (hg19) VCF-style: chr14-23899836-G-A.
Other names: c.932C>T, p.Ala311Val (NM_001407004.1); short protein forms A311V.
Identifiers: ClinVar variation 2499178 (VCV002499178.2), dbSNP rs2138679338, ClinGen allele CA389051721.
Genomic context (GRCh38, chr14:23,430,627, plus strand): 5'-GCCATGAGCTCCTCAGCGTCATCAATGGAGGCCACGGTGGTCTCTCCTTGGGAGATGAAT[G>A]CATAATCGTAGGGGTTGTTGGTGATCAGCAGCATGTCTAGGGGAAAAAACATGGTTAGGG-3'
Protein context (NP_000248.2, residues 301-321): LLITNNPYDY[Ala311Val]FISQGETTVA

ClinVar aggregate classification (germline): Uncertain significance (1 of 4 stars; one submission).

Allele frequency attached by ClinVar (database versions not stated): gnomAD exomes below 0.00001.
gnomAD v4.1: 1 of 1,614,118 alleles (0.000062%); highest among the groups gnomAD compares: Non-Finnish European, 0.000085%; no homozygotes.

Submission:

GeneDx
Classification: Uncertain significance. Last evaluated: 2023-09-16. Review status: criteria provided, single submitter. Criteria: GeneDx Variant Classification Process June 2021. Collection method: clinical testing. Allele origin: germline.
Comment: Not observed at significant frequency in large population cohorts (gnomAD); In silico analysis supports that this missense variant does not alter protein structure/function; Has not been previously published as pathogenic or benign to our knowledge; This variant is associated with the following publications: (PMID: 27532257, 29300372)